The following is an entry in ClinVar:

NM_000419.5(ITGA2B):c.505G>A (p.Gly169Ser)

Gene: ITGA2B (integrin subunit alpha 2b; minus strand). Cytogenetic location: 17q21.31.
Variant type: single nucleotide variant.
Coding change: c.505G>A on transcript NM_000419.5 (MANE Select); coding-DNA position 505, G replaced by A.
Protein change: p.Gly169Ser; replaces glycine 169 with serine.
Molecular consequence: missense variant.
Genome position (GRCh38, 1-based): chr17:44,385,620, C>T on the plus strand (G>A on the coding strand, the complement: ITGA2B is on the minus strand). VCF-style: chr17-44385620-C-T. GRCh37 (hg19) VCF-style: chr17-42462988-C-T.
Other names: short protein forms G169S.
Identifiers: ClinVar variation 2910814 (VCV002910814.3), dbSNP rs1478695725, ClinGen allele CA399805835.
Genomic context (GRCh38, chr17:44,385,620, plus strand): 5'-TTTCCACGTAAATGCGGCTCAGGGTGTTCCCGCGACAGGGGGAGTACTCGGCGCGGCGGC[C>T]GCTCTCTGGCTGAGCCAAAAAGCAGCTACCTACGGGCGTCTTCTCAGCCTCCTCAGTCTT-3'
Protein context (NP_000410.2, residues 159-179): GSCFLAQPES[Gly169Ser]RRAEYSPCRG

ClinVar aggregate classification (germline): Uncertain significance (1 of 4 stars; one submission).

Conditions:
Glanzmann thrombasthenia. Also called: BLEEDING DISORDER, PLATELET-TYPE, 2; THROMBASTHENIA OF GLANZMANN AND NAEGELI; PLATELET GLYCOPROTEIN IIb-IIIa DEFICIENCY; Glanzmann's thrombasthenia; Thrombasthenia. Identifiers: Orphanet 849, MedGen C0040015, MONDO:0100326.

gnomAD v4.1: 1 of 1,612,774 alleles (0.000062%); highest among the groups gnomAD compares: Non-Finnish European, 0.000085%; no homozygotes.

Submission:

Labcorp Genetics (formerly Invitae), Labcorp
Classification: Uncertain significance for Glanzmann thrombasthenia. Last evaluated: 2025-09-21. Review status: criteria provided, single submitter. Criteria: Invitae Variant Classification Sherloc (09022015). Collection method: clinical testing. Allele origin: germline.
Comment: This sequence change replaces glycine, which is neutral and non-polar, with serine, which is neutral and polar, at codon 169 of the ITGA2B protein (p.Gly169Ser). This variant is not present in population databases (gnomAD no frequency). This variant has not been reported in the literature in individuals affected with ITGA2B-related conditions. ClinVar contains an entry for this variant (Variation ID: 2910814). An algorithm developed to predict the effect of missense changes on protein structure and function outputs the following: PolyPhen-2: "Benign". The serine amino acid residue is found in multiple mammalian species, which suggests that this missense change does not adversely affect protein function. In summary, the available evidence is currently insufficient to determine the role of this variant in disease. Therefore, it has been classified as a Variant of Uncertain Significance.